The following is an entry in ClinVar:

ClinVar aggregate classification (germline): Benign. Review status: criteria provided, multiple submitters, no conflicts (2 of 4 stars). 7 submissions from 7 submitters: Benign (5). 2 of the submissions do not count toward it. Last evaluated 2026-01-19.

Conditions:
Maturity-onset diabetes of the young type 11. Identifiers: Orphanet 552, MedGen C3150618, MONDO:0013242, OMIM 613375.

Allele frequency attached by ClinVar (database versions not stated): TOPMed 0.00903; ESP Exome Variant Server 0.00907; 1000 Genomes Project 0.00978; 1000 Genomes Project 30x 0.01140.
gnomAD v4.1: 2,519 of 1,614,062 alleles (0.16%); highest among the groups gnomAD compares: African/African-American, 3.1%; 38 homozygotes.

Submissions (7):

Labcorp Genetics (formerly Invitae), Labcorp
Classification: Benign. Last evaluated: 2026-01-19. Review status: criteria provided, single submitter. Criteria: Invitae Variant Classification Sherloc (09022015). Collection method: clinical testing. Allele origin: germline.

ARUP Laboratories, Molecular Genetics and Genomics, ARUP Laboratories
Classification: Benign for Maturity-onset diabetes of the young type 11. Last evaluated: 2023-10-11. Review status: criteria provided, single submitter. Criteria: ARUP Molecular Germline Variant Investigation Process 2024. Collection method: clinical testing. Allele origin: germline.

GeneDx
Classification: Benign. Last evaluated: 2021-01-05. Review status: criteria provided, single submitter. Criteria: GeneDx Variant Classification Process June 2021. Collection method: clinical testing. Allele origin: germline. Affected: yes.

Illumina Laboratory Services, Illumina
Classification: Benign for Maturity-onset diabetes of the young type 11. Last evaluated: 2018-01-13. Review status: criteria provided, single submitter. Criteria: ICSL Variant Classification Criteria 13 December 2019. Collection method: clinical testing. Allele origin: germline.
Comment: This variant was observed in the ICSL laboratory as part of a predisposition screen in an ostensibly healthy population. It had not been previously curated by ICSL or reported in the Human Gene Mutation Database (HGMD: prior to June 1st, 2018), and was therefore a candidate for classification through an automated scoring system. Utilizing variant allele frequency, disease prevalence and penetrance estimates, and inheritance mode, an automated score was calculated to assess if this variant is too frequent to cause the disease. Based on the score and internal cut-off values, a variant classified as benign is not then subjected to further curation. The score for this variant resulted in a classification of benign for this disease.

Breakthrough Genomics
Classification: Benign. Review status: criteria provided, single submitter. Criteria: ACMG Guidelines, 2015. Collection method: not provided. Allele origin: germline. Inheritance: Autosomal dominant inheritance. Affected: yes.

Clinical Genetics DNA and cytogenetics Diagnostics Lab, Erasmus MC, Erasmus Medical Center
Classification: Benign. Review status: no assertion criteria provided. Collection method: clinical testing. Allele origin: germline. Affected: yes. Study: VKGL Data-share Consensus. Not counted in ClinVar's aggregate classification.

Laboratory of Diagnostic Genome Analysis, Leiden University Medical Center (LUMC)
Classification: Benign. Review status: no assertion criteria provided. Collection method: clinical testing. Allele origin: germline. Affected: yes. Study: VKGL Data-share Consensus. Not counted in ClinVar's aggregate classification.

NM_001715.3(BLK):c.391C>A (p.Arg131=)

Genes: BLK (BLK proto-oncogene, Src family tyrosine kinase), LOC126860303 (CDK7 strongly-dependent group 2 enhancer GRCh37_chr8:11407118-11408317). Cytogenetic location: 8p23.1.
Variant type: single nucleotide variant.
Coding change: c.391C>A on transcript NM_001715.3 (MANE Select); coding-DNA position 391, C replaced by A.
Protein change: p.Arg131=; no amino-acid change (arginine 131 retained).
Molecular consequence: synonymous variant.
Genome position (GRCh38, 1-based): chr8:11,550,181, C>A. VCF-style: chr8-11550181-C-A. GRCh37 (hg19) VCF-style: chr8-11407690-C-A.
Other names: c.178C>A, p.Arg60= (NM_001330465.2).
Identifiers: ClinVar variation 361479 (VCV000361479.17), dbSNP rs73663163, ClinGen allele CA4629868.
Genomic context (GRCh38, chr8:11,550,181, plus strand): 5'-GGTCGCTCTGAGTTTCACCTGTTCCTGCCGTTTTCCAGGTGGTTCTTTAGATCACAGGGT[C>A]GGAAGGAGGCTGAGAGGCAGCTTCTTGCTCCAATCAACAAGGCCGGCTCCTTTCTTATCA-3'
Protein context (NP_001706.2, residues 121-141): MERWFFRSQG[Arg131=]KEAERQLLAP